The following is an entry in ClinVar:

NM_003664.5(AP3B1):c.890A>G (p.His297Arg)

Gene: AP3B1 (adaptor related protein complex 3 subunit beta 1; minus strand). Cytogenetic location: 5q14.1.
Variant type: single nucleotide variant.
Coding change: c.890A>G on transcript NM_003664.5 (MANE Select); coding-DNA position 890, A replaced by G.
Protein change: p.His297Arg; replaces histidine 297 with arginine.
Molecular consequence: missense variant.
Genome position (GRCh38, 1-based): chr5:78,181,559, T>C on the plus strand (A>G on the coding strand, the complement: AP3B1 is on the minus strand). VCF-style: chr5-78181559-T-C. GRCh37 (hg19) VCF-style: chr5-77477383-T-C.
Other names: c.743A>G, p.His248Arg (NM_001271769.2); c.890A>G, p.His297Arg (NM_001410752.1); short protein forms H248R, H297R.
Identifiers: ClinVar variation 3632458 (VCV003632458.2).

ClinVar aggregate classification (germline): Uncertain significance (1 of 4 stars; one submission).

Conditions:
Hermansky-Pudlak syndrome 2 (HPS2). Also called: Platelet defects and oculocutaneous albinism. Identifiers: Orphanet 183678, Orphanet 79430, MedGen C1842362, MONDO:0011997, OMIM 608233.

gnomAD v4.1: 1 of 1,613,256 alleles (0.000062%); highest among the groups gnomAD compares: South Asian, 0.0011%; no homozygotes.

Submission:

Labcorp Genetics (formerly Invitae), Labcorp
Classification: Uncertain significance for Hermansky-Pudlak syndrome 2. Last evaluated: 2024-02-24. Review status: criteria provided, single submitter. Criteria: Invitae Variant Classification Sherloc (09022015). Collection method: clinical testing. Allele origin: germline.
Comment: This sequence change replaces histidine, which is basic and polar, with arginine, which is basic and polar, at codon 297 of the AP3B1 protein (p.His297Arg). This variant is not present in population databases (gnomAD no frequency). This variant has not been reported in the literature in individuals affected with AP3B1-related conditions. An algorithm developed to predict the effect of missense changes on protein structure and function (PolyPhen-2) suggests that this variant is likely to be disruptive. In summary, the available evidence is currently insufficient to determine the role of this variant in disease. Therefore, it has been classified as a Variant of Uncertain Significance.